The following is an entry in ClinVar:

ClinVar aggregate classification (germline): Likely benign (1 of 4 stars; one submission).

gnomAD v4.1: 134 of 1,524,768 alleles (0.0088%); highest among the groups gnomAD compares: Admixed American, 0.026%; 21 homozygotes.

Submission:

Mayo Clinic Laboratories, Mayo Clinic
Classification: Likely benign. Last evaluated: 2024-12-11. Review status: criteria provided, single submitter. Criteria: ACMG Guidelines, 2015. Collection method: clinical testing. Allele origin: germline. Observed: 2 variant alleles.
Comment: BP4, BP7

Literature cited by the submitters: PubMed 34965590.

NM_002113.3(CFHR1):c.615G>A (p.Thr205=)

Gene: CFHR1 (complement factor H related 1; plus strand). Cytogenetic location: 1q31.3.
Variant type: single nucleotide variant.
Coding change: c.615G>A on transcript NM_002113.3 (MANE Select); coding-DNA position 615, G replaced by A.
Protein change: p.Thr205=; no amino-acid change (threonine 205 retained).
Molecular consequence: synonymous variant.
Genome position (GRCh38, 1-based): chr1:196,830,507, G>A. VCF-style: chr1-196830507-G-A. GRCh37 (hg19) VCF-style: chr1-196799637-G-A.
Other names: p.Thr205=; c.564G>A, p.Thr188= (NM_001379306.1); c.453G>A, p.Thr151= (NM_001379307.1); c.450G>A, p.Thr150= (NM_001379308.1); c.447G>A, p.Thr149= (NM_001379309.1); c.420G>A, p.Thr140= (NM_001379310.1); c.411G>A, p.Thr137= (NM_001379311.1); c.372G>A, p.Thr124= (NM_001379312.1).
Identifiers: ClinVar variation 4683968 (VCV004683968.1).